The following is an entry in ClinVar:

ClinVar aggregate classification (germline): Uncertain significance (1 of 4 stars; one submission).

Submission:

GeneDx
Classification: Uncertain significance. Last evaluated: 2023-02-23. Review status: criteria provided, single submitter. Criteria: GeneDx Variant Classification Process June 2021. Collection method: clinical testing. Allele origin: germline. Affected: yes.
Comment: Not observed at significant frequency in large population cohorts (gnomAD); Has not been previously published as pathogenic or benign to our knowledge; In silico analysis is inconclusive as to whether the variant alters gene splicing. In the absence of RNA/functional studies, the actual effect of this sequence change is unknown.

NM_001127644.2(GABRA1):c.256-5C>G

Gene: GABRA1 (gamma-aminobutyric acid type A receptor subunit alpha1; plus strand). Cytogenetic location: 5q34.
Variant type: single nucleotide variant.
Coding change: c.256-5C>G on transcript NM_001127644.2 (MANE Select); 5 bases into the intron before coding-DNA position 256, C replaced by G.
Molecular consequence: intron variant.
Genome position (GRCh38, 1-based): chr5:161,873,112, C>G. VCF-style: chr5-161873112-C-G. GRCh37 (hg19) VCF-style: chr5-161300118-C-G.
Other names: c.256-5C>G (NM_000806.5, NM_001127643.2, NM_001127645.2 and 1 more transcripts).
Identifiers: ClinVar variation 2577625 (VCV002577625.1), dbSNP rs2532239053, ClinGen allele CA2580617446.
Genomic context (GRCh38, chr5:161,873,112, plus strand): 5'-CGTTAGATATTTGCATTGCAAAATACAGCACAGTGAACTCTTCGTCATTTTCCAAAATTA[C>G]CTAGGAATATACAATAGATGTATTTTTCCGTCAAAGCTGGAAGGATGAAAGGTTAAAATT-3'